The following is an entry in ClinVar:

NM_001190787.3(MCIDAS):c.1076G>T (p.Arg359Leu)

Gene: MCIDAS (multiciliate differentiation and DNA synthesis associated cell cycle protein; minus strand). Cytogenetic location: 5q11.2.
Variant type: single nucleotide variant.
Coding change: c.1076G>T on transcript NM_001190787.3 (MANE Select); coding-DNA position 1076, G replaced by T.
Protein change: p.Arg359Leu; replaces arginine 359 with leucine.
Molecular consequence: missense variant.
Genome position (GRCh38, 1-based): chr5:55,220,448, C>A on the plus strand (G>T on the coding strand, the complement: MCIDAS is on the minus strand). VCF-style: chr5-55220448-C-A. GRCh37 (hg19) VCF-style: chr5-54516276-C-A.
Other names: short protein forms R359L.
Identifiers: ClinVar variation 578223 (VCV000578223.8), dbSNP rs1561114448, ClinGen allele CA359730643.

ClinVar aggregate classification (germline): Uncertain significance (1 of 4 stars; one submission).

Conditions:
Primary ciliary dyskinesia. Also called: Ciliary dyskinesia. Identifiers: Orphanet 244, MedGen C0008780, MONDO:0016575, HP:0012265.

gnomAD v4.1: 2 of 1,536,060 alleles (0.00013%); highest among the groups gnomAD compares: South Asian, 0.0024%; no homozygotes.

Submission:

Labcorp Genetics (formerly Invitae), Labcorp
Classification: Uncertain significance for Primary ciliary dyskinesia. Last evaluated: 2018-03-27. Review status: criteria provided, single submitter. Criteria: Invitae Variant Classification Sherloc (09022015). Collection method: clinical testing. Allele origin: germline.
Comment: In summary, the available evidence is currently insufficient to determine the role of this variant in disease. Therefore, it has been classified as a Variant of Uncertain Significance. Algorithms developed to predict the effect of missense changes on protein structure and function (SIFT, PolyPhen-2, Align-GVGD) all suggest that this variant is likely to be disruptive, but these predictions have not been confirmed by published functional studies and their clinical significance is uncertain. This variant has not been reported in the literature in individuals with MCIDAS-related disease. While this variant is not present in population databases, the frequency information is unreliable, as metrics indicate poor data quality at this position in the ExAC database. This sequence change replaces arginine with leucine at codon 359 of the MCIDAS protein (p.Arg359Leu). The arginine residue is highly conserved and there is a moderate physicochemical difference between arginine and leucine.